The following is an entry in ClinVar:

NM_004958.4(MTOR):c.1887G>A (p.Leu629=)

Gene: MTOR (mechanistic target of rapamycin kinase; minus strand). Cytogenetic location: 1p36.22.
Variant type: single nucleotide variant.
Coding change: c.1887G>A on transcript NM_004958.4 (MANE Select); coding-DNA position 1887, G replaced by A.
Protein change: p.Leu629=; no amino-acid change (leucine 629 retained).
Molecular consequence: synonymous variant.
Genome position (GRCh38, 1-based): chr1:11,238,517, C>T on the plus strand (G>A on the coding strand, the complement: MTOR is on the minus strand). VCF-style: chr1-11238517-C-T. GRCh37 (hg19) VCF-style: chr1-11298574-C-T.
Identifiers: ClinVar variation 696350 (VCV000696350.15), dbSNP rs138165807, ClinGen allele CA590616.

ClinVar aggregate classification (germline): Benign/Likely benign. Review status: criteria provided, multiple submitters, no conflicts (2 of 4 stars). 4 submissions from 4 submitters: Benign (2); Likely benign (2). Last evaluated 2025-12-09.

Conditions:
MTOR-related disorder. Also called: MTOR-related condition.

Allele frequency attached by ClinVar (database versions not stated): gnomAD exomes 0.00004 and 0.00013; 1000 Genomes Project 0.00020; ExAC 0.00020; gnomAD 0.00048 and 0.00049; TOPMed 0.00050; 1000 Genomes Project 30x 0.00062; ESP Exome Variant Server 0.00069.
gnomAD v4.1: 129 of 1,614,214 alleles (0.008%); highest among the groups gnomAD compares: African/African-American, 0.16%; 1 homozygote.

Submissions (4):

Labcorp Genetics (formerly Invitae), Labcorp
Classification: Benign. Last evaluated: 2025-12-09. Review status: criteria provided, single submitter. Criteria: Invitae Variant Classification Sherloc (09022015). Collection method: clinical testing. Allele origin: germline.

PreventionGenetics, part of Exact Sciences
Classification: Likely benign for MTOR-related condition. Last evaluated: 2025-02-03. Review status: criteria provided, single submitter. Criteria: ACMG Guidelines, 2015. Collection method: clinical testing. Allele origin: germline.
Comment: This variant is classified as likely benign based on ACMG/AMP sequence variant interpretation guidelines (Richards et al. 2015 PMID: 25741868, with internal and published modifications).

Blueprint Genetics
Classification: Likely benign. Last evaluated: 2020-08-13. Review status: criteria provided, single submitter. Criteria: ACMG Guidelines, 2015. Collection method: clinical testing. Allele origin: germline.

GeneDx
Classification: Benign. Last evaluated: 2020-01-27. Review status: criteria provided, single submitter. Criteria: GeneDx Variant Classification Process June 2021. Collection method: clinical testing. Allele origin: germline. Affected: yes.